The following is an entry in ClinVar:

ClinVar aggregate classification (germline): Uncertain significance (1 of 4 stars; one submission).

Conditions:
Hereditary breast ovarian cancer syndrome. Also called: BRCA1- and BRCA2-Associated Hereditary Breast and Ovarian Cancer; Hereditary breast and ovarian cancer; Hereditary breast and ovarian cancer syndrome (HBOC); Hereditary breast and/or ovarian cancer syndrome; Hereditary breast and ovarian cancer syndrome; Breast and ovarian cancer. Identifiers: Orphanet 145, MedGen C0677776, MeSH D061325, MONDO:0003582. Disease mechanism: loss of function.

Submission:

Labcorp Genetics (formerly Invitae), Labcorp
Classification: Uncertain significance for Hereditary breast ovarian cancer syndrome. Last evaluated: 2023-10-20. Review status: criteria provided, single submitter. Criteria: Invitae Variant Classification Sherloc (09022015). Collection method: clinical testing. Allele origin: germline.
Comment: This sequence change replaces alanine, which is neutral and non-polar, with valine, which is neutral and non-polar, at codon 1438 of the BRCA1 protein (p.Ala1438Val). This variant is not present in population databases (gnomAD no frequency). This variant has not been reported in the literature in individuals affected with BRCA1-related conditions. Advanced modeling of protein sequence and biophysical properties (such as structural, functional, and spatial information, amino acid conservation, physicochemical variation, residue mobility, and thermodynamic stability) performed at Invitae indicates that this missense variant is not expected to disrupt BRCA1 protein function. In summary, the available evidence is currently insufficient to determine the role of this variant in disease. Therefore, it has been classified as a Variant of Uncertain Significance.

NM_007294.4(BRCA1):c.4313C>T (p.Ala1438Val)

Gene: BRCA1 (BRCA1 DNA repair associated; minus strand). Cytogenetic location: 17q21.31.
Variant type: single nucleotide variant.
Coding change: c.4313C>T on transcript NM_007294.4 (MANE Select); coding-DNA position 4313, C replaced by T.
Protein change: p.Ala1438Val; replaces alanine 1438 with valine.
Molecular consequence: missense variant.
Genome position (GRCh38, 1-based): chr17:43,082,448, G>A on the plus strand (C>T on the coding strand, the complement: BRCA1 is on the minus strand). VCF-style: chr17-43082448-G-A. GRCh37 (hg19) VCF-style: chr17-41234465-G-A.
Other names: c.4100C>T, p.Ala1367Val (NM_001407571.1, NM_001407853.1, NM_001407894.1 and 12 more transcripts); c.4313C>T, p.Ala1438Val (NM_001407581.1, NM_001407582.1, NM_001407583.1 and 23 more transcripts); c.4310C>T, p.Ala1437Val (NM_001407587.1, NM_001407590.1, NM_001407591.1 and 21 more transcripts); c.4307C>T, p.Ala1436Val (NM_001407627.1, NM_001407628.1, NM_001407629.1 and 5 more transcripts); c.4301C>T, p.Ala1434Val (NM_001407646.1, NM_001407647.1); c.4190C>T, p.Ala1397Val (NM_001407648.1, NM_001407664.1, NM_001407665.1 and 13 more transcripts); c.4187C>T, p.Ala1396Val (NM_001407649.1, NM_001407670.1, NM_001407671.1 and 12 more transcripts); c.4235C>T, p.Ala1412Val (NM_001407653.1, NM_001407654.1, NM_001407655.1 and 2 more transcripts); and 51 more; short protein forms A1348V, A1349V, A1366V, A1370V, A1371V, A1389V, A1396V, A1397V.
Identifiers: ClinVar variation 2915510 (VCV002915510.3), dbSNP rs2154149079, ClinGen allele CA10593093.